The following is an entry in ClinVar:

NM_001267550.2(TTN):c.17664del (p.Asp5889fs)

Genes: TTN (titin; minus strand), LOC126806431 (CDK7 strongly-dependent group 2 enhancer GRCh37_chr2:179595719-179596918; plus strand). Cytogenetic location: 2q31.2.
Variant type: Deletion.
Coding change: c.17664del on transcript NM_001267550.2 (MANE Select); coding-DNA position 17664, one base deleted (A; older notation c.17664delA).
Protein change: p.Asp5889fs; shifts the reading frame from aspartic acid 5889.
Molecular consequence: frameshift variant. On other transcripts: intron variant (3).
Genome position (GRCh38, 1-based): chr2:178,731,001, T deleted on the plus strand (A on the coding strand, the reverse complement: TTN is on the minus strand); the first of 3 consecutive T bases (chr2:178,731,001-178,731,003); deleting any one gives the same sequence. VCF-style (leftmost placement, unchanged base first): chr2-178731000-CT-C. GRCh37 (hg19) VCF-style: chr2-179595727-CT-C.
Other names: c.16713del, p.Asp5572fs (NM_001256850.1); c.13932del, p.Asp4645fs (NM_133378.4); c.13282+7081del (NM_003319.4); c.13858+7081del (NM_133437.4); c.13657+7081del (NM_133432.3); c.17664delA (NM_001267550.2); short protein forms D4645fs, D5572fs, D5889fs.
Identifiers: ClinVar variation 3031960 (VCV003031960.2), dbSNP rs780768926, ClinGen allele CA2001776.

ClinVar aggregate classification (germline): Likely pathogenic (0 of 4 stars; one submission).

Conditions:
TTN-related disorder. Also called: TTN-related condition; TTN-related disease; TTN-related disorders.

Submission:

PreventionGenetics, part of Exact Sciences
Classification: Likely pathogenic for TTN-related condition. Last evaluated: 2023-11-10. Review status: no assertion criteria provided. Collection method: clinical testing. Allele origin: germline.
Comment: The TTN c.17664delA variant is predicted to result in a frameshift and premature protein termination (p.Asp5889Ilefs*25). To our knowledge, this variant has not been reported in the literature. This variant is located in the TTN protein I-band region. RNAseq studies from heart tissue indicate this exon is not commonly included in TTN mRNA transcripts (PSI of 20%-35%); however, this analysis in muscle tissue was not performed (Roberts A.M. et al. 2015. PMID: 25589632). TTN truncating variants in the heterozygous state are reported in 1-2% of presumably healthy individuals and occur more frequently in exons with low PSI values, indicating this variant is less likely to cause TTN-related cardiac disorders (Roberts A.M. et al. 2015. PMID: 25589632; Herman D.S. et al. 2012. PMID: 22335739). However, many cases of recessive congenital titinopathies in which the individual is compound heterozygous for two loss of function variants in TTN have also been reported (See Ceyhan-Birsoy O. et al. 2013. PMID: 23975875; Chauveau C et al. 2014. PMID: 24105469; Evilä A et al. 2016. PMID: 27796757; Ge et al. 2019. PubMed ID: 31053406; Bryen et al. 2020. PubMed ID: 31660661). This variant is reported in 0.00089% of alleles in individuals of European (Non-Finnish) descent in gnomAD. In summary, the c.117664delA variant is likely pathogenic for autosomal recessive TTN-related disorders. However, it is uncertain if this variant would be causative for autosomal dominant TTN-related disorders.